The following is an entry in ClinVar:

ClinVar aggregate classification (germline): Uncertain significance. Review status: criteria provided, multiple submitters, no conflicts (2 of 4 stars). 3 submissions from 3 submitters: Uncertain significance (3). Last evaluated 2025-07-18.

Conditions:
Rhabdoid tumor predisposition syndrome 2 (RTPS2). Identifiers: Orphanet 231108, Orphanet 69077, MedGen C2750074, MONDO:0013224, OMIM 613325.
Hereditary cancer-predisposing syndrome. Also called: Neoplastic Syndromes, Hereditary; Hereditary Cancer Syndrome; Tumor predisposition; Hereditary neoplastic syndrome. Identifiers: Orphanet 140162, MedGen C0027672, MeSH D009386, MONDO:0015356.

Submissions (3):

Labcorp Genetics (formerly Invitae), Labcorp
Classification: Uncertain significance for Rhabdoid tumor predisposition syndrome 2. Last evaluated: 2025-07-18. Review status: criteria provided, single submitter. Criteria: Invitae Variant Classification Sherloc (09022015). Collection method: clinical testing. Allele origin: germline.
Comment: This sequence change replaces methionine, which is neutral and non-polar, with isoleucine, which is neutral and non-polar, at codon 326 of the SMARCA4 protein (p.Met326Ile). This variant is not present in population databases (gnomAD no frequency). This variant has not been reported in the literature in individuals affected with SMARCA4-related conditions. ClinVar contains an entry for this variant (Variation ID: 575020). Invitae Evidence Modeling of protein sequence and biophysical properties (such as structural, functional, and spatial information, amino acid conservation, physicochemical variation, residue mobility, and thermodynamic stability) indicates that this missense variant is not expected to disrupt SMARCA4 protein function with a negative predictive value of 80%. In summary, the available evidence is currently insufficient to determine the role of this variant in disease. Therefore, it has been classified as a Variant of Uncertain Significance.

Ambry Genetics
Classification: Uncertain significance for Hereditary cancer-predisposing syndrome. Last evaluated: 2023-10-19. Review status: criteria provided, single submitter. Criteria: Ambry Variant Classification Scheme 2023. Collection method: clinical testing. Allele origin: germline.
Comment: The p.M326I variant (also known as c.978G>A), located in coding exon 5 of the SMARCA4 gene, results from a G to A substitution at nucleotide position 978. The methionine at codon 326 is replaced by isoleucine, an amino acid with highly similar properties. This amino acid position is highly conserved in available vertebrate species. In addition, the in silico prediction for this alteration is inconclusive. Missense and in-frame variants in SMARCA4 are known to cause neurodevelopmental disorders; however, such associations with rhabdoid tumor predisposition syndrome including small cell carcinoma of the ovary-hypercalcemic type (SCCOHT) are exceedingly rare (Kosho T et al. Am J Med Genet C Semin Med Genet. 2014 Sep;166C(3):262-75; Jelinic P et al. Nat Genet. 2014 May;46(5):424-6). Based on the supporting evidence, the association of this alteration with Coffin-Siris syndrome is unknown; however, the association of this alteration with rhabdoid tumor predisposition syndrome is unlikely.

Baylor Genetics
Classification: Uncertain significance for Rhabdoid tumor predisposition syndrome 2. Last evaluated: 2023-05-24. Review status: criteria provided, single submitter. Criteria: ACMG Guidelines, 2015. Collection method: clinical testing. Allele origin: unknown.

NM_003072.5(SMARCA4):c.978G>A (p.Met326Ile)

Gene: SMARCA4 (SWI/SNF related BAF chromatin remodeling complex subunit ATPase 4; plus strand). Cytogenetic location: 19p13.2.
Variant type: single nucleotide variant.
Coding change: c.978G>A on transcript NM_003072.5 (MANE Select); coding-DNA position 978, G replaced by A.
Protein change: p.Met326Ile; replaces methionine 326 with isoleucine.
Molecular consequence: missense variant. On other transcripts: non-coding transcript variant (1).
Genome position (GRCh38, 1-based): chr19:10,987,784, G>A. VCF-style: chr19-10987784-G-A. GRCh37 (hg19) VCF-style: chr19-11098460-G-A.
Other names: c.978G>A, p.Met326Ile (NM_001128844.3, NM_001128845.2, NM_001128846.2 and 5 more transcripts); short protein forms M326I.
Identifiers: ClinVar variation 575020 (VCV000575020.12), dbSNP rs1568426962, ClinGen allele CA404058564.